The following is an entry in ClinVar:

ClinVar aggregate classification (germline): Pathogenic. Review status: criteria provided, multiple submitters, no conflicts (2 of 4 stars). 3 submissions from 3 submitters: Pathogenic (3). Last evaluated 2023-07-10.

Conditions:
Von Hippel-Lindau syndrome (VHLS). Also called: Von Hippel-Lindau; VHL syndrome; von Hippel–Lindau syndrome. Identifiers: Orphanet 892, MedGen C0019562, MONDO:0008667, OMIM 193300. Disease mechanism: loss of function.
Chuvash polycythemia. Also called: POLYCYTHEMIA, VHL-DEPENDENT. Identifiers: Orphanet 238557, MedGen C1837915, MONDO:0009892, OMIM 263400.

Submissions (3):

Labcorp Genetics (formerly Invitae), Labcorp
Classification: Pathogenic for Von Hippel-Lindau syndrome; Chuvash polycythemia. Last evaluated: 2023-07-10. Review status: criteria provided, single submitter. Criteria: Invitae Variant Classification Sherloc (09022015). Collection method: clinical testing. Allele origin: germline.
Comment: This sequence change creates a premature translational stop signal (p.Arg60Glyfs*10) in the VHL gene. It is expected to result in an absent or disrupted protein product. Loss-of-function variants in VHL are known to be pathogenic (PMID: 8956040, 12202531). This variant is not present in population databases (gnomAD no frequency). This premature translational stop signal has been observed in individual(s) with von Hippel-Lindau syndrome (PMID: 24779271). This variant is also known as c.161_168dupGGAGGCCG. ClinVar contains an entry for this variant (Variation ID: 280053). For these reasons, this variant has been classified as Pathogenic.

Genomic Diagnostic Laboratory, Division of Genomic Diagnostics, Children's Hospital of Philadelphia
Classification: Pathogenic for von Hippel-Lindau syndrome. Last evaluated: 2018-08-01. Review status: criteria provided, single submitter. Criteria: DGD Variant Analysis Guidelines. Collection method: clinical testing. Allele origin: germline. Affected: yes. Observed: 1 variant allele.

GeneDx
Classification: Pathogenic. Last evaluated: 2018-03-30. Review status: criteria provided, single submitter. Criteria: GeneDx Variant Classification (06012015). Collection method: clinical testing. Allele origin: germline. Affected: yes.
Comment: The c.164_171dupAGGCCGGG variant in the VHL gene has been reported previously in associationwith von Hippel-Lindau syndrome (Chacon-Camacho et al., 2014). The duplication causes aframeshift starting with codon Arginine 60, changes this amino acid to a Glycine residue and creates apremature Stop codon at position 10 of the new reading frame, denoted p.Arg60GlyfsX10. Thisvariant is predicted to cause loss of normal protein function either through protein truncation ornonsense-mediated mRNA decay. Based on the currently available information, we considerc.164_171dupAGGCCGGG to be pathogenic.

Literature cited by the submitters: PubMed 8956040 (cited by Labcorp Genetics (formerly Invitae), Labcorp); PubMed 12202531 (cited by Labcorp Genetics (formerly Invitae), Labcorp); PubMed 24779271 (cited by Labcorp Genetics (formerly Invitae), Labcorp).

NM_000551.4(VHL):c.164_171dup (p.Arg60fs)

Gene: VHL (von Hippel-Lindau tumor suppressor; plus strand). Cytogenetic location: 3p25.3.
Variant type: Duplication.
Coding change: c.164_171dup on transcript NM_000551.4 (MANE Select); coding-DNA positions 164 to 171, 8 bases duplicated (AGGCCGGG; older notation c.164_171dupAGGCCGGG).
Protein change: p.Arg60fs; shifts the reading frame from arginine 60.
Molecular consequence: frameshift variant.
Genome position (GRCh38, 1-based): chr3:10,142,011-10,142,018, AGGCCGGG duplicated; duplicating any 8 consecutive bases within chr3:10,142,009-10,142,018 gives the same sequence; the c. name uses the placement nearest the transcript's 3' end. VCF-style (leftmost placement, unchanged base first): chr3-10142008-T-TGGAGGCCG. GRCh37 (hg19) VCF-style: chr3-10183692-T-TGGAGGCCG.
Other names: c.164_171dupAGGCCGGG (NM_000551.3); c.164_171dup, p.Arg60fs (NM_001354723.2, NM_198156.3); short protein forms R60fs.
Identifiers: ClinVar variation 280053 (VCV000280053.8), dbSNP rs886041345, ClinGen allele CA10602889.